The following is an entry in ClinVar:

NM_000327.4(ROM1):c.929_934del (p.Leu310_Phe311del)

Gene: ROM1 (retinal outer segment membrane protein 1; plus strand). Cytogenetic location: 11q12.3.
Variant type: Deletion.
Coding change: c.929_934del on transcript NM_000327.4 (MANE Select); coding-DNA positions 929 to 934, 6 bases deleted (TCTTTC; older notation c.929_934delTCTTTC).
Protein change: p.Leu310_Phe311del.
Molecular consequence: inframe deletion.
Genome position (GRCh38, 1-based): chr11:62,614,712-62,614,717, TCTTTC deleted; deleting any 6 consecutive bases within chr11:62,614,710-62,614,717 gives the same sequence; the c. name uses the placement nearest the transcript's 3' end. VCF-style (leftmost placement, unchanged base first): chr11-62614709-ATCTCTT-A. GRCh37 (hg19) VCF-style: chr11-62382181-ATCTCTT-A.
Identifiers: ClinVar variation 1388703 (VCV001388703.6), dbSNP rs2134424507, ClinGen allele CA2573147455.

ClinVar aggregate classification (germline): Uncertain significance (1 of 4 stars; one submission).

Submission:

Labcorp Genetics (formerly Invitae), Labcorp
Classification: Uncertain significance. Last evaluated: 2021-10-22. Review status: criteria provided, single submitter. Criteria: Invitae Variant Classification Sherloc (09022015). Collection method: clinical testing. Allele origin: germline.
Comment: In summary, the available evidence is currently insufficient to determine the role of this variant in disease. Therefore, it has been classified as a Variant of Uncertain Significance. Experimental studies and prediction algorithms are not available or were not evaluated, and the functional significance of this variant is currently unknown. This variant has not been reported in the literature in individuals affected with ROM1-related conditions. This variant is not present in population databases (gnomAD no frequency). This variant, c.929_934del, results in the deletion of 2 amino acid(s) of the ROM1 protein (p.Leu310_Phe311del), but otherwise preserves the integrity of the reading frame.